The following is an entry in ClinVar:

ClinVar aggregate classification (germline): Pathogenic (1 of 4 stars; one submission).

Conditions:
Interstitial lung disease due to ABCA3 deficiency. Also called: PULMONARY ALVEOLAR PROTEINOSIS, CONGENITAL, 3. Identifiers: Orphanet 440402, MedGen C1970456, MONDO:0012582, OMIM 610921.

Submission:

Myriad Genetics, Inc.
Classification: Pathogenic for Interstitial lung disease due to ABCA3 deficiency. Last evaluated: 2026-03-22. Review status: criteria provided, single submitter. Criteria: Myriad Autosomal Dominant, Autosomal Recessive and X-Linked Classification Criteria (2023). Collection method: clinical testing. Allele origin: unknown.
Comment: NM_001089.2(ABCA3):c.1218C>A(C406*) is expected to be pathogenic in the context of surfactant deficiency, ABCA3-related. This variant is predicted to lead to an abnormal or absent protein product due to the creation of a premature termination codon in ABCA3, a gene where loss-of-function variants are known to be pathogenic. Please note: this variant was assessed in the context of healthy population screening.

NM_001089.3(ABCA3):c.1218C>A (p.Cys406Ter)

Gene: ABCA3 (ATP binding cassette subfamily A member 3; minus strand). Cytogenetic location: 16p13.3.
Variant type: single nucleotide variant.
Coding change: c.1218C>A on transcript NM_001089.3 (MANE Select); coding-DNA position 1218, C replaced by A.
Protein change: p.Cys406Ter; replaces cysteine 406 with a stop codon.
Molecular consequence: nonsense.
Genome position (GRCh38, 1-based): chr16:2,308,517, G>T on the plus strand (C>A on the coding strand, the complement: ABCA3 is on the minus strand). VCF-style: chr16-2308517-G-T. GRCh37 (hg19) VCF-style: chr16-2358518-G-T.
Other names: short protein forms C406*.
Identifiers: ClinVar variation 5015715 (VCV005015715.1).